The following is an entry in ClinVar:

NM_003128.3(SPTBN1):c.5773C>T (p.Leu1925Phe)

Gene: SPTBN1 (spectrin beta, non-erythrocytic 1; plus strand). Cytogenetic location: 2p16.2.
Variant type: single nucleotide variant.
Coding change: c.5773C>T on transcript NM_003128.3 (MANE Select); coding-DNA position 5773, C replaced by T.
Protein change: p.Leu1925Phe; replaces leucine 1925 with phenylalanine.
Molecular consequence: missense variant.
Genome position (GRCh38, 1-based): chr2:54,653,804, C>T. VCF-style: chr2-54653804-C-T. GRCh37 (hg19) VCF-style: chr2-54880941-C-T.
Other names: c.5734C>T, p.Leu1912Phe (NM_178313.3); short protein forms L1912F, L1925F.
Identifiers: ClinVar variation 2650930 (VCV002650930.24), dbSNP rs1314377849, ClinGen allele CA346853623.

ClinVar aggregate classification (germline): Uncertain significance (1 of 4 stars; one submission).

Submission:

CeGaT Center for Human Genetics Tuebingen
Classification: Uncertain significance. Last evaluated: 2023-09-01. Review status: criteria provided, single submitter. Criteria: CeGaT Center For Human Genetics Tuebingen Variant Classification Criteria Version 2. Collection method: clinical testing. Allele origin: germline. Affected: yes. Observed: 1 variant allele.
Comment: SPTBN1: PM2